The following is an entry in ClinVar:

ClinVar aggregate classification (germline): Uncertain significance. Review status: criteria provided, multiple submitters, no conflicts (2 of 4 stars). 2 submissions from 2 submitters: Uncertain significance (2). Last evaluated 2021-08-12.

Conditions:
Fanconi anemia (FA). Also called: Fanconi's anemia. Identifiers: Orphanet 84, MedGen C0015625, MeSH D005199, MONDO:0019391.

Submissions (2):

Labcorp Genetics (formerly Invitae), Labcorp
Classification: Uncertain significance for Fanconi anemia. Last evaluated: 2021-08-12. Review status: criteria provided, single submitter. Criteria: Invitae Variant Classification Sherloc (09022015). Collection method: clinical testing. Allele origin: germline.
Comment: This sequence change replaces tryptophan with glycine at codon 451 of the FANCA protein (p.Trp451Gly). The tryptophan residue is highly conserved and there is a large physicochemical difference between tryptophan and glycine. This variant is not present in population databases (ExAC no frequency). This missense change has been observed in individual(s) with clinical features of FANCA-related conditions (Invitae). Advanced modeling of protein sequence and biophysical properties (such as structural, functional, and spatial information, amino acid conservation, physicochemical variation, residue mobility, and thermodynamic stability) performed at Invitae indicates that this missense variant is expected to disrupt FANCA protein function. In summary, the available evidence is currently insufficient to determine the role of this variant in disease. Therefore, it has been classified as a Variant of Uncertain Significance.

GeneDx
Classification: Uncertain significance. Last evaluated: 2020-01-30. Review status: criteria provided, single submitter. Criteria: GeneDx Variant Classification Process June 2021. Collection method: clinical testing. Allele origin: germline. Affected: yes.
Comment: Not observed in large population cohorts (Lek et al., 2016); In silico analysis, which includes protein predictors and evolutionary conservation, supports a deleterious effect; Has not been previously published as pathogenic or benign to our knowledge

NM_000135.4(FANCA):c.1351T>G (p.Trp451Gly)

Gene: FANCA (FA complementation group A; minus strand). Cytogenetic location: 16q24.3.
Variant type: single nucleotide variant.
Coding change: c.1351T>G on transcript NM_000135.4 (MANE Select); coding-DNA position 1351, T replaced by G.
Protein change: p.Trp451Gly; replaces tryptophan 451 with glycine.
Molecular consequence: missense variant.
Genome position (GRCh38, 1-based): chr16:89,791,411, A>C on the plus strand (T>G on the coding strand, the complement: FANCA is on the minus strand). VCF-style: chr16-89791411-A-C. GRCh37 (hg19) VCF-style: chr16-89857819-A-C.
Other names: c.1351T>G, p.Trp451Gly (NM_001286167.3); short protein forms W451G.
Identifiers: ClinVar variation 1004289 (VCV001004289.7), dbSNP rs2040072996, ClinGen allele CA397463630.